The following is an entry in ClinVar:

NM_018136.5(ASPM):c.9444+254T>A

Gene: ASPM (assembly factor for spindle microtubules; minus strand). Cytogenetic location: 1q31.3.
Variant type: single nucleotide variant.
Coding change: c.9444+254T>A on transcript NM_018136.5 (MANE Select); 254 bases into the intron after coding-DNA position 9444, T replaced by A.
Molecular consequence: intron variant.
Genome position (GRCh38, 1-based): chr1:197,091,653, A>T on the plus strand (T>A on the coding strand, the complement: ASPM is on the minus strand). VCF-style: chr1-197091653-A-T. GRCh37 (hg19) VCF-style: chr1-197060783-A-T.
Other names: c.4689+254T>A (NM_001206846.2).
Identifiers: ClinVar variation 668875 (VCV000668875.1), dbSNP rs955927, ClinGen allele CA15079049.
Genomic context (GRCh38, chr1:197,091,653, plus strand): 5'-ATTAGAATGGCAAAAATCAGAAAGTCTTCTGATACTTTATGTTGGCAAGCATGTAGAGAA[A>T]CAGGGTACCCTCAAGACTTTGCTGGCAGGAATGTAAATGAGTACAATTACATCAGACAAT-3'

ClinVar aggregate classification (germline): Benign (1 of 4 stars; one submission).

Allele frequency attached by ClinVar (database versions not stated): 1000 Genomes Project 30x 0.21081; 1000 Genomes Project 0.21366; TOPMed 0.28032; gnomAD 0.29790 and 0.29806.
gnomAD v4.1: 45,392 of 151,840 alleles (30%); highest among the groups gnomAD compares: Middle Eastern, 46%; 8,482 homozygotes.

Submission:

GeneDx
Classification: Benign. Last evaluated: 2018-06-19. Review status: criteria provided, single submitter. Criteria: GeneDx Variant Classification (06012015). Collection method: clinical testing. Allele origin: germline. Affected: yes.
Comment: This variant is considered likely benign or benign based on one or more of the following criteria: it is a conservative change, it occurs at a poorly conserved position in the protein, it is predicted to be benign by multiple in silico algorithms, and/or has population frequency not consistent with disease.